The following is an entry in ClinVar:

NM_001111125.3(IQSEC2):c.2839C>T (p.His947Tyr)

Gene: IQSEC2 (IQ motif and Sec7 domain ArfGEF 2; minus strand). Cytogenetic location: Xp11.22.
Variant type: single nucleotide variant.
Coding change: c.2839C>T on transcript NM_001111125.3 (MANE Select); coding-DNA position 2839, C replaced by T.
Protein change: p.His947Tyr; replaces histidine 947 with tyrosine.
Molecular consequence: missense variant.
Genome position (GRCh38, 1-based): chrX:53,243,382, G>A on the plus strand (C>T on the coding strand, the complement: IQSEC2 is on the minus strand). VCF-style: chrX-53243382-G-A. GRCh37 (hg19) VCF-style: chrX-53272564-G-A.
Other names: c.2839C>T, p.His947Tyr (NM_001410736.1); c.2224C>T, p.His742Tyr (NM_015075.2); short protein forms H742Y, H947Y.
Identifiers: ClinVar variation 2829903 (VCV002829903.3), dbSNP rs2519745490, ClinGen allele CA413153696.
Genomic context (GRCh38, chrX:53,243,382, plus strand): 5'-AGGCACTTACTGGTTTCTTTCCAACAATCATGCGCTCCACAGCCTGCACCTGGGACACAT[G>A]GTCATCGTTGGTCCGCAGTTCACGCCCCTGGATGCGCTGGTAGATGCCCACCAGGAGGTC-3'
Protein context (NP_001104595.1, residues 937-957): QGRELRTNDD[His947Tyr]VSQVQAVERM

ClinVar aggregate classification (germline): Uncertain significance (1 of 4 stars; one submission).

Conditions:
Intellectual developmental disorder, X-linked 1. Also called: Atkin Flaitz Patil Smith syndrome; Intellectual disability, X-linked 1; MENTAL RETARDATION, X-LINKED 18; MENTAL RETARDATION, X-LINKED 78. Identifiers: Orphanet 777, MedGen C2931498, MONDO:0010656, OMIM 309530.

Submission:

Labcorp Genetics (formerly Invitae), Labcorp
Classification: Uncertain significance for Intellectual developmental disorder, X-linked 1. Last evaluated: 2023-01-18. Review status: criteria provided, single submitter. Criteria: Invitae Variant Classification Sherloc (09022015). Collection method: clinical testing. Allele origin: germline.
Comment: In summary, the available evidence is currently insufficient to determine the role of this variant in disease. Therefore, it has been classified as a Variant of Uncertain Significance. Advanced modeling of protein sequence and biophysical properties (such as structural, functional, and spatial information, amino acid conservation, physicochemical variation, residue mobility, and thermodynamic stability) performed at Invitae indicates that this missense variant is not expected to disrupt IQSEC2 protein function. This variant has not been reported in the literature in individuals affected with IQSEC2-related conditions. This variant is not present in population databases (gnomAD no frequency). This sequence change replaces histidine, which is basic and polar, with tyrosine, which is neutral and polar, at codon 947 of the IQSEC2 protein (p.His947Tyr).